The following is an entry in ClinVar:

NM_013266.4(CTNNA3):c.1851T>G (p.Ile617Met)

Gene: CTNNA3 (catenin alpha 3; minus strand). Cytogenetic location: 10q21.3.
Variant type: single nucleotide variant.
Coding change: c.1851T>G on transcript NM_013266.4 (MANE Select); coding-DNA position 1851, T replaced by G.
Protein change: p.Ile617Met; replaces isoleucine 617 with methionine.
Molecular consequence: missense variant.
Genome position (GRCh38, 1-based): chr10:66,280,503, A>C on the plus strand (T>G on the coding strand, the complement: CTNNA3 is on the minus strand). VCF-style: chr10-66280503-A-C. GRCh37 (hg19) VCF-style: chr10-68040261-A-C.
Other names: c.1851T>G, p.Ile617Met (NM_001127384.3); short protein forms I617M.
Identifiers: ClinVar variation 1781343 (VCV001781343.2), dbSNP rs2546926076, ClinGen allele CA377090912.
Genomic context (GRCh38, chr10:66,280,503, plus strand): 5'-ATTCAATGGAAGGAAAAGCAAACTTACCCGAATCATCATGACTGAACATCTGATATCATG[A>C]ATTGTATCATAGATCTTCTTTGAGATGTCCACAAATTGATTATCATCCAACACATTCAAT-3'
Protein context (NP_037398.2, residues 607-627): VDISKKIYDT[Ile617Met]HDIRCSVMMI

ClinVar aggregate classification (germline): Uncertain significance (1 of 4 stars; one submission).

Submission:

Ambry Genetics
Classification: Uncertain significance. Last evaluated: 2021-08-10. Review status: criteria provided, single submitter. Criteria: Ambry Variant Classification Scheme 2023. Collection method: clinical testing. Allele origin: germline.
Comment: The p.I617M variant (also known as c.1851T>G), located in coding exon 12 of the CTNNA3 gene, results from a T to G substitution at nucleotide position 1851. The isoleucine at codon 617 is replaced by methionine, an amino acid with highly similar properties. This amino acid position is conserved. In addition, this alteration is predicted to be tolerated by in silico analysis. Since supporting evidence is limited at this time, the clinical significance of this alteration remains unclear.